The following is an entry in ClinVar:

ClinVar aggregate classification (germline): Uncertain significance. Review status: criteria provided, multiple submitters, no conflicts (2 of 4 stars). 2 submissions from 2 submitters: Uncertain significance (2). Last evaluated 2024-11-07.

Allele frequency attached by ClinVar (database versions not stated): gnomAD exomes 0.00003; gnomAD 0.00004; TOPMed 0.00005; ExAC 0.00006; 1000 Genomes Project 30x 0.00016; 1000 Genomes Project 0.00020.

Submissions (2):

Labcorp Genetics (formerly Invitae), Labcorp
Classification: Uncertain significance. Last evaluated: 2024-11-07. Review status: criteria provided, single submitter. Criteria: Invitae Variant Classification Sherloc (09022015). Collection method: clinical testing. Allele origin: germline.
Comment: This sequence change replaces arginine, which is basic and polar, with histidine, which is basic and polar, at codon 318 of the DSCAML1 protein (p.Arg318His). This variant is present in population databases (rs540587435, gnomAD 0.02%). This variant has not been reported in the literature in individuals affected with DSCAML1-related conditions. ClinVar contains an entry for this variant (Variation ID: 2416845). An algorithm developed to predict the effect of missense changes on protein structure and function (PolyPhen-2) suggests that this variant is likely to be disruptive. In summary, the available evidence is currently insufficient to determine the role of this variant in disease. Therefore, it has been classified as a Variant of Uncertain Significance.

Ambry Genetics
Classification: Uncertain significance. Last evaluated: 2023-06-23. Review status: criteria provided, single submitter. Criteria: Ambry Variant Classification Scheme 2023. Collection method: clinical testing. Allele origin: germline.

NM_020693.4(DSCAML1):c.773G>A (p.Arg258His)

Gene: DSCAML1 (DS cell adhesion molecule like 1; minus strand). Cytogenetic location: 11q23.3.
Variant type: single nucleotide variant.
Coding change: c.773G>A on transcript NM_020693.4 (MANE Select); coding-DNA position 773, G replaced by A.
Protein change: p.Arg258His; replaces arginine 258 with histidine.
Molecular consequence: missense variant.
Genome position (GRCh38, 1-based): chr11:117,524,969, C>T on the plus strand (G>A on the coding strand, the complement: DSCAML1 is on the minus strand). VCF-style: chr11-117524969-C-T. GRCh37 (hg19) VCF-style: chr11-117395684-C-T.
Other names: c.773G>A, p.Arg258His (NM_001367904.1); c.365G>A, p.Arg122His (NM_001367905.1); c.953G>A (NM_020693.2); short protein forms R122H, R258H.
Identifiers: ClinVar variation 2416845 (VCV002416845.8), dbSNP rs540587435, ClinGen allele CA6297453.